The following is an entry in ClinVar:

NM_133459.4(CCBE1):c.844C>T (p.Arg282Trp)

Gene: CCBE1 (collagen and calcium binding EGF domains 1; minus strand). Cytogenetic location: 18q21.32.
Variant type: single nucleotide variant.
Coding change: c.844C>T on transcript NM_133459.4 (MANE Select); coding-DNA position 844, C replaced by T.
Protein change: p.Arg282Trp; replaces arginine 282 with tryptophan.
Molecular consequence: missense variant.
Genome position (GRCh38, 1-based): chr18:59,439,748, G>A on the plus strand (C>T on the coding strand, the complement: CCBE1 is on the minus strand). VCF-style: chr18-59439748-G-A. GRCh37 (hg19) VCF-style: chr18-57106980-G-A.
Other names: short protein forms R282W.
Identifiers: ClinVar variation 2047078 (VCV002047078.3), dbSNP rs550643166, ClinGen allele CA8980315.

ClinVar aggregate classification (germline): Uncertain significance (1 of 4 stars; one submission).

Allele frequency attached by ClinVar (database versions not stated): TOPMed below 0.00001; ExAC 0.00002; gnomAD 0.00002; 1000 Genomes Project 30x 0.00016; 1000 Genomes Project 0.00020.

Submission:

Labcorp Genetics (formerly Invitae), Labcorp
Classification: Uncertain significance. Last evaluated: 2023-11-16. Review status: criteria provided, single submitter. Criteria: Invitae Variant Classification Sherloc (09022015). Collection method: clinical testing. Allele origin: germline.
Comment: This sequence change replaces arginine, which is basic and polar, with tryptophan, which is neutral and slightly polar, at codon 282 of the CCBE1 protein (p.Arg282Trp). This variant is present in population databases (rs550643166, gnomAD 0.009%). This variant has not been reported in the literature in individuals affected with CCBE1-related conditions. ClinVar contains an entry for this variant (Variation ID: 2047078). Advanced modeling of protein sequence and biophysical properties (such as structural, functional, and spatial information, amino acid conservation, physicochemical variation, residue mobility, and thermodynamic stability) has been performed at Invitae for this missense variant, however the output from this modeling did not meet the statistical confidence thresholds required to predict the impact of this variant on CCBE1 protein function. In summary, the available evidence is currently insufficient to determine the role of this variant in disease. Therefore, it has been classified as a Variant of Uncertain Significance.